The following is an entry in ClinVar:

NM_003238.6(TGFB2):c.510+12TTG[5]

Gene: TGFB2 (transforming growth factor beta 2; plus strand). Cytogenetic location: 1q41.
Variant type: Microsatellite.
Coding change: c.510+12TTG[5] on transcript NM_003238.6 (MANE Select); five copies in a row of the 3-base unit TTG starting at c.510+12.
Molecular consequence: intron variant.
Genome position: GRCh38 VCF-style: chr1-218405343-TTTGTTGTTGTTGTTG-T. GRCh37 (hg19) VCF-style: chr1-218578685-TTTGTTGTTGTTGTTG-T.
Other names: c.594+12TTG[5] (NM_001135599.4).
Identifiers: ClinVar variation 3702521 (VCV003702521.2).

ClinVar aggregate classification (germline): Uncertain significance (1 of 4 stars; one submission).

Conditions:
Loeys-Dietz syndrome 4 (LDS4). Also called: ANEURYSM, AORTIC AND CEREBRAL, WITH ARTERIAL TORTUOSITY AND SKELETAL MANIFESTATIONS; TGFB2-Related Loeys-Dietz Syndrome. Identifiers: MedGen C3553762, MONDO:0013897, OMIM 614816.

Submission:

Labcorp Genetics (formerly Invitae), Labcorp
Classification: Uncertain significance for Loeys-Dietz syndrome 4. Last evaluated: 2024-07-26. Review status: criteria provided, single submitter. Criteria: Invitae Variant Classification Sherloc (09022015). Collection method: clinical testing. Allele origin: germline.
Comment: This sequence change falls in intron 2 of the TGFB2 gene. It does not directly change the encoded amino acid sequence of the TGFB2 protein. This variant is not present in population databases (gnomAD no frequency). This variant has not been reported in the literature in individuals affected with TGFB2-related conditions. Experimental studies and prediction algorithms are not available or were not evaluated, and the effect of this variant on mRNA splicing is currently unknown. In summary, the available evidence is currently insufficient to determine the role of this variant in disease. Therefore, it has been classified as a Variant of Uncertain Significance.